The following is an entry in ClinVar:

ClinVar aggregate classification (germline): Uncertain significance (1 of 4 stars; one submission).

Conditions:
Hereditary cancer-predisposing syndrome. Also called: Neoplastic Syndromes, Hereditary; Tumor predisposition; Hereditary neoplastic syndrome; Hereditary Cancer Syndrome. Identifiers: Orphanet 140162, MedGen C0027672, MeSH D009386, MONDO:0015356.

Submission:

Ambry Genetics
Classification: Uncertain significance for Hereditary cancer-predisposing syndrome. Last evaluated: 2024-02-06. Review status: criteria provided, single submitter. Criteria: Ambry Variant Classification Scheme 2023. Collection method: clinical testing. Allele origin: germline.
Comment: The p.K971T variant (also known as c.2912A>C), located in coding exon 20 of the TSC1 gene, results from an A to C substitution at nucleotide position 2912. The lysine at codon 971 is replaced by threonine, an amino acid with similar properties. This amino acid position is conserved. In addition, this alteration is predicted to be tolerated by in silico analysis. Based on the available evidence, the clinical significance of this alteration remains unclear.

NM_000368.5(TSC1):c.2912A>C (p.Lys971Thr)

Gene: TSC1 (TSC complex subunit 1; minus strand). Cytogenetic location: 9q34.13.
Variant type: single nucleotide variant.
Coding change: c.2912A>C on transcript NM_000368.5 (MANE Select); coding-DNA position 2912, A replaced by C.
Protein change: p.Lys971Thr; replaces lysine 971 with threonine.
Molecular consequence: missense variant. On other transcripts: non-coding transcript variant (5).
Genome position (GRCh38, 1-based): chr9:132,897,247, T>G on the plus strand (A>C on the coding strand, the complement: TSC1 is on the minus strand). VCF-style: chr9-132897247-T-G. GRCh37 (hg19) VCF-style: chr9-135772634-T-G.
Other names: c.2909A>C, p.Lys970Thr (NM_001162426.2, NM_001406597.1, NM_001406598.1 and 2 more transcripts); c.2759A>C, p.Lys920Thr (NM_001162427.2, NM_001406610.1); c.2549A>C, p.Lys850Thr (NM_001362177.2, NM_001406614.1, NM_001406615.1 and 4 more transcripts); c.2912A>C, p.Lys971Thr (NM_001406592.1, NM_001406593.1, NM_001406594.1 and 2 more transcripts); c.2897A>C, p.Lys966Thr (NM_001406601.1, NM_001406602.1); c.2894A>C, p.Lys965Thr (NM_001406603.1, NM_001406604.1); c.2870A>C, p.Lys957Thr (NM_001406605.1, NM_001406606.1, NM_001406607.1); c.2867A>C, p.Lys956Thr (NM_001406608.1, NM_001406609.1); and 8 more; short protein forms K620T, K653T, K654T, K835T, K836T, K849T, K850T, K905T.
Identifiers: ClinVar variation 3231311 (VCV003231311.1), dbSNP rs2538477735, ClinGen allele CA375368550.